The following is an entry in ClinVar:

NM_005502.4(ABCA1):c.2249G>A (p.Gly750Glu)

Gene: ABCA1 (ATP binding cassette subfamily A member 1; minus strand). Cytogenetic location: 9q31.1.
Variant type: single nucleotide variant.
Coding change: c.2249G>A on transcript NM_005502.4 (MANE Select); coding-DNA position 2249, G replaced by A.
Protein change: p.Gly750Glu; replaces glycine 750 with glutamic acid.
Molecular consequence: missense variant.
Genome position (GRCh38, 1-based): chr9:104,827,036, C>T on the plus strand (G>A on the coding strand, the complement: ABCA1 is on the minus strand). VCF-style: chr9-104827036-C-T. GRCh37 (hg19) VCF-style: chr9-107589317-C-T.
Other names: short protein forms G750E.
Identifiers: ClinVar variation 1788382 (VCV001788382.2), dbSNP rs1369180414, ClinGen allele CA374321715.

ClinVar aggregate classification (germline): Uncertain significance (1 of 4 stars; one submission).

Conditions:
Cardiovascular phenotype. Identifiers: MedGen CN230736.

Allele frequency attached by ClinVar (database versions not stated): gnomAD exomes below 0.00001; TOPMed below 0.00001; gnomAD 0.00001.
gnomAD v4.1: 8 of 1,614,080 alleles (0.0005%); highest among the groups gnomAD compares: Non-Finnish European, 0.00068%; no homozygotes.

Submission:

Ambry Genetics
Classification: Uncertain significance for Cardiovascular phenotype. Last evaluated: 2022-07-10. Review status: criteria provided, single submitter. Criteria: Ambry Variant Classification Scheme 2023. Collection method: clinical testing. Allele origin: germline.
Comment: The p.G750E variant (also known as c.2249G>A), located in coding exon 15 of the ABCA1 gene, results from a G to A substitution at nucleotide position 2249. The glycine at codon 750 is replaced by glutamic acid, an amino acid with similar properties. This amino acid position is conserved. In addition, this alteration is predicted to be deleterious by in silico analysis. Since supporting evidence is limited at this time, the clinical significance of this alteration remains unclear.